The following is an entry in ClinVar:

ClinVar aggregate classification (germline): Likely benign (1 of 4 stars; one submission).

Allele frequency attached by ClinVar (database versions not stated): 1000 Genomes Project 0.00399; 1000 Genomes Project 30x 0.00406; TOPMed 0.00595; gnomAD 0.00736 and 0.00745.
gnomAD v4.1: 1,109 of 152,286 alleles (0.73%); highest among the groups gnomAD compares: Non-Finnish European, 1.1%; 3 homozygotes.

Submission:

GeneDx
Classification: Likely benign. Last evaluated: 2018-06-14. Review status: criteria provided, single submitter. Criteria: GeneDx Variant Classification (06012015). Collection method: clinical testing. Allele origin: germline. Affected: yes.
Comment: This variant is considered likely benign or benign based on one or more of the following criteria: it is a conservative change, it occurs at a poorly conserved position in the protein, it is predicted to be benign by multiple in silico algorithms, and/or has population frequency not consistent with disease.

NM_001134407.3(GRIN2A):c.2008-262C>T

Gene: GRIN2A (glutamate ionotropic receptor NMDA type subunit 2A; minus strand). Cytogenetic location: 16p13.2.
Variant type: single nucleotide variant.
Coding change: c.2008-262C>T on transcript NM_001134407.3 (MANE Select); 262 bases into the intron before coding-DNA position 2008, C replaced by T.
Molecular consequence: intron variant.
Genome position (GRCh38, 1-based): chr16:9,822,686, G>A on the plus strand (C>T on the coding strand, the complement: GRIN2A is on the minus strand). VCF-style: chr16-9822686-G-A. GRCh37 (hg19) VCF-style: chr16-9916543-G-A.
Other names: c.2008-262C>T (NM_001134408.2, NM_000833.5).
Identifiers: ClinVar variation 669736 (VCV000669736.1), dbSNP rs142572165, ClinGen allele CA278179215.